The following is an entry in ClinVar:

NM_000722.4(CACNA2D1):c.735C>T (p.Ile245=)

Gene: CACNA2D1 (calcium voltage-gated channel auxiliary subunit alpha2delta 1; minus strand). Cytogenetic location: 7q21.11.
Variant type: single nucleotide variant.
Coding change: c.735C>T on transcript NM_000722.4 (MANE Select); coding-DNA position 735, C replaced by T.
Protein change: p.Ile245=; no amino-acid change (isoleucine 245 retained).
Molecular consequence: synonymous variant.
Genome position (GRCh38, 1-based): chr7:82,064,348, G>A on the plus strand (C>T on the coding strand, the complement: CACNA2D1 is on the minus strand). VCF-style: chr7-82064348-G-A. GRCh37 (hg19) VCF-style: chr7-81693664-G-A.
Other names: c.735C>T, p.Ile245= (NM_001302890.2, NM_001366867.1).
Identifiers: ClinVar variation 463228 (VCV000463228.9), dbSNP rs1281680153, ClinGen allele CA456267917.

ClinVar aggregate classification (germline): Conflicting classifications of pathogenicity. Review status: criteria provided, conflicting classifications (1 of 4 stars). 2 submissions from 2 submitters: Uncertain significance (1); Likely benign (1). Last evaluated 2025-02-07.

Conditions:
Cardiovascular phenotype. Identifiers: MedGen CN230736.
Brugada syndrome. Also called: Sudden unexpected nocturnal death syndrome; Sudden Unexplained Death Syndrome; Sudden Unexplained Nocturnal Death Syndrome (SUNDS); Sudden unexplained nocturnal death syndrome. Identifiers: Orphanet 130, MedGen C1142166, MONDO:0015263.

Allele frequency attached by ClinVar (database versions not stated): gnomAD exomes below 0.00001 and 0.00003; gnomAD 0.00001; TOPMed 0.00001.
gnomAD v4.1: 39 of 1,602,136 alleles (0.0024%); highest among the groups gnomAD compares: Non-Finnish European, 0.0032%; no homozygotes.

Submissions (2):

Labcorp Genetics (formerly Invitae), Labcorp
Classification: Likely benign for Brugada syndrome. Last evaluated: 2025-02-07. Review status: criteria provided, single submitter. Criteria: Invitae Variant Classification Sherloc (09022015). Collection method: clinical testing. Allele origin: germline.

Ambry Genetics
Classification: Uncertain significance for Cardiovascular phenotype. Last evaluated: 2022-04-04. Review status: criteria provided, single submitter. Criteria: Ambry Variant Classification Scheme 2023. Collection method: clinical testing. Allele origin: germline.
Comment: The c.735C>T variant (also known as p.I245I), located in coding exon 9 of the CACNA2D1 gene, results from a C to T substitution at nucleotide position 735. This nucleotide substitution does not change the isoleucine at codon 245. This nucleotide position is not well conserved in available vertebrate species. In silico splice site analysis for this alteration is inconclusive. The evidence for this gene-disease relationship is limited; therefore, the clinical significance of this alteration is unclear.